The following is an entry in ClinVar:

ClinVar aggregate classification (germline): Conflicting classifications of pathogenicity. Review status: criteria provided, conflicting classifications (1 of 4 stars). 6 submissions from 6 submitters: Likely pathogenic (4); Uncertain significance (2). Last evaluated 2025-05-07.

Conditions:
Macrothrombocytopenia and granulocyte inclusions with or without nephritis or sensorineural hearing loss (MATINS). Also called: BLEEDING DISORDER, PLATELET-TYPE, 6; MAY-HEGGLIN ANOMALY; DOHLE LEUKOCYTE INCLUSIONS WITH GIANT PLATELETS; MACROTHROMBOCYTOPENIA WITH LEUKOCYTE INCLUSIONS; MYH9-Related Disease (MYH9-RD); SEBASTIAN PLATELET SYNDROME. Identifiers: Orphanet 182050, MedGen C5200934, MONDO:0015912, OMIM 155100.
MYH9-related disorder. Identifiers: MedGen C1854520.

Allele frequency attached by ClinVar (database versions not stated): gnomAD exomes below 0.00001.
gnomAD v4.1: 1 of 1,611,756 alleles (0.000062%); highest among the groups gnomAD compares: Non-Finnish European, 0.000085%; no homozygotes.

Submissions (6):

3billion
Classification: Likely pathogenic for Macrothrombocytopenia and granulocyte inclusions with or without nephritis or sensorineural hearing loss. Last evaluated: 2025-05-07. Review status: criteria provided, single submitter. Criteria: ACMG Guidelines, 2015. Collection method: clinical testing. Allele origin: germline. Affected: yes.
Comment: The variant is observed at an extremely low frequency in the gnomAD v4.1.0 dataset (total allele frequency: <0.001%). Predicted Consequence/Location: Missense variant. Missense changes are a common disease-causing mechanism. In silico tool predictions suggest damaging effect of the variant on gene or gene product [REVEL: 0.91 (>=0.6, sensitivity 0.68 and specificity 0.92)]. The same nucleotide change resulting in the same amino acid change has been previously reported to be associated with MYH9-related disorder (ClinVar ID: VCV002500720 /PMID: 25077172).The variant has been observed in multiple (>3) similarly affected unrelated individuals (PMID: 24165359, 25077172, 31384440). Therefore, this variant is classified as Likely pathogenic according to the recommendation of ACMG/AMP guideline.

Mayo Clinic Laboratories, Mayo Clinic
Classification: Likely pathogenic. Last evaluated: 2024-05-21. Review status: criteria provided, single submitter. Criteria: ACMG Guidelines, 2015. Collection method: clinical testing. Allele origin: germline. Observed: 1 variant allele.
Comment: PP2, PP3, PM2_moderate, PS4_moderate

Labcorp Genetics (formerly Invitae), Labcorp
Classification: Uncertain significance. Last evaluated: 2024-02-06. Review status: criteria provided, single submitter. Criteria: Invitae Variant Classification Sherloc (09022015). Collection method: clinical testing. Allele origin: germline.
Comment: This sequence change replaces glutamic acid, which is acidic and polar, with lysine, which is basic and polar, at codon 894 of the MYH9 protein (p.Glu894Lys). This variant is present in population databases (no rsID available, gnomAD 0.0009%). This missense change has been observed in individual(s) with clinical features of MYH9-related conditions (PMID: 25077172). ClinVar contains an entry for this variant (Variation ID: 2500720). Advanced modeling of protein sequence and biophysical properties (such as structural, functional, and spatial information, amino acid conservation, physicochemical variation, residue mobility, and thermodynamic stability) has been performed at Invitae for this missense variant, however the output from this modeling did not meet the statistical confidence thresholds required to predict the impact of this variant on MYH9 protein function. In summary, the available evidence is currently insufficient to determine the role of this variant in disease. Therefore, it has been classified as a Variant of Uncertain Significance.

MVZ Medizinische Genetik Mainz
Classification: Uncertain significance for Macrothrombocytopenia and granulocyte inclusions with or without nephritis or sensorineural hearing loss. Last evaluated: 2023-09-13. Review status: criteria provided, single submitter. Criteria: UK Practice Guidelines For Variant Classification V4 01 2020. Collection method: clinical testing. Allele origin: germline. Inheritance: Autosomal dominant inheritance. Affected: yes. Observed: 1 variant allele.
Comment: ACMG Criteria: PS4_MOD,PP3_MOD,PM2_SUP

Victorian Clinical Genetics Services, Murdoch Childrens Research Institute
Classification: Likely pathogenic for Macrothrombocytopenia and granulocyte inclusions with or without nephritis or sensorineural hearing loss. Last evaluated: 2022-02-02. Review status: criteria provided, single submitter. Criteria: ACMG Guidelines, 2015. Collection method: clinical testing. Allele origin: germline. Inheritance: Autosomal dominant inheritance. Affected: yes.
Comment: Based on the classification scheme VCGS_Germline_v1.3.4, this variant is classified as Likely Pathogenic. Following criteria are met: 0103 - Dominant negative and loss of function are likely mechanisms of disease in this gene and are associated with deafness, autosomal dominant 17 (MIM#603622) and macrothrombocytopenia and granulocyte inclusions with or without nephritis or sensorineural hearing loss (MIM#155100; GeneReviews, PMID: 32545517). (I) 0107 - This gene is associated with autosomal dominant disease. (I) 0115 - Variants in this gene are known to have variable expressivity with regard to age of onset, severity of sensorineural deafness, and the presence/absence of glomerular nephropathy, presenile cataract, and alterations of liver enzymes (GeneReviews). (I) 0200 - Variant is predicted to result in a missense amino acid change from glutamic acid to lysine. (I) 0251 - This variant is heterozygous. (I) 0302 - Variant is present in gnomAD (v2) <0.001 for a dominant condition (1 heterozygote, 0 homozygotes). (SP) 0501 - Missense variant consistently predicted to be damaging by multiple in silico tools or highly conserved with a major amino acid change. (SP) 0600 - Variant is located in the annotated myosin tail domain (Pfam). (I) 0705 - No comparable missense variants have previous evidence for pathogenicity. (I) 0802 - This variant has moderate previous evidence of pathogenicity in unrelated individuals. This variant has been reported in multiple individuals with MYH9-related disease, one of them de novo, with variable phenotypes including kidney disease, thrombocytopenia, and cataracts (PMIDs: 24165359, 25077172, 31384440). (SP) 0905 - No published segregation evidence has been identified for this variant. (I) 1007 - No published functional evidence has been identified for this variant. (I) 1207 - Parental origin of the variant is unresolved. (I) Legend: (SP) - Supporting pathogenic, (I) - Information, (SB) - Supporting benign

Blueprint Genetics
Classification: Likely pathogenic for MYH9-related disorders. Last evaluated: 2020-08-28. Review status: criteria provided, single submitter. Criteria: ACMG Guidelines, 2015. Collection method: clinical testing. Allele origin: germline. Affected: yes. Observed: 1 variant allele.

Literature cited by the submitters: PubMed 25077172 (cited by 4 submitters); PubMed 31384440 (cited by 3 submitters); PubMed 24165359 (cited by 3 submitters); PubMed 32545517 (cited by Victorian Clinical Genetics Services, Murdoch Childrens Research Institute).

NM_002473.6(MYH9):c.2680G>A (p.Glu894Lys)

Genes: MYH9 (myosin heavy chain 9; minus strand), LOC126863137 (CDK7 strongly-dependent group 2 enhancer GRCh37_chr22:36696002-36697201; plus strand). Cytogenetic location: 22q12.3.
Variant type: single nucleotide variant.
Coding change: c.2680G>A on transcript NM_002473.6 (MANE Select); coding-DNA position 2680, G replaced by A.
Protein change: p.Glu894Lys; replaces glutamic acid 894 with lysine.
Molecular consequence: missense variant.
Genome position (GRCh38, 1-based): chr22:36,301,009, C>T on the plus strand (G>A on the coding strand, the complement: MYH9 is on the minus strand). VCF-style: chr22-36301009-C-T. GRCh37 (hg19) VCF-style: chr22-36697055-C-T.
Other names: p.Glu894Lys; short protein forms E894K.
Identifiers: ClinVar variation 2500720 (VCV002500720.8), dbSNP rs1472348578, ClinGen allele CA411393513.
Genomic context (GRCh38, chr22:36,301,009, plus strand): 5'-CTAATTCCTGCTTCTTGGCGGTCAGGCGGGCCCGGAGCTCCTCAGCCTCGGCACACAGCT[C>T]GGTTTCTGCCTGGAGCTGCTCCTGCAGCTGCAATTTCTCTGCCATGAGCTGCAAACAACA-3'
Protein context (NP_002464.1, residues 884-904): QLQEQLQAET[Glu894Lys]LCAEAEELRA